The following is an entry in ClinVar:

ClinVar aggregate classification (germline): Uncertain significance (1 of 4 stars; one submission).

Conditions:
LEPR-related disorder. Also called: LEPR-related condition; LEPR-related disorders.

Submission:

PreventionGenetics, part of Exact Sciences
Classification: Uncertain significance for LEPR-related condition. Last evaluated: 2026-05-21. Review status: criteria provided, single submitter. Criteria: ACMG Guidelines, 2015. Collection method: clinical testing. Allele origin: germline.
Comment: The LEPR c.1403+1_1403+2dupGT variant is predicted to result in an intronic duplication. To our knowledge, this variant has not been reported in the literature. This variant is predicted to alter splicing based on available splicing prediction programs (SpliceAI, Jaganathan et al. 2019. PubMed ID: 30661751). However, the use of computer prediction programs is not equivalent to functional evidence. This variant results in retainment of a consensus GT donor sequence at the junction of exon 10 and intron 10, therefore it is unclear whether this variant impacts splicing. This variant is reported in 0.00088% of alleles in individuals of European (Non-Finnish) descent in gnomAD. Although we suspect this variant may be pathogenic, at this time, the clinical significance of this variant is uncertain due to the absence of conclusive functional and genetic evidence.

NM_002303.6(LEPR):c.1403+1_1403+2dup

Gene: LEPR (leptin receptor; plus strand). Cytogenetic location: 1p31.3.
Variant type: Duplication.
Coding change: c.1403+1_1403+2dup on transcript NM_002303.6 (MANE Select); the canonical splice donor site of the intron after coding-DNA position 1403, 2 bases duplicated (GT; older notation c.1403+1_1403+2dupGT).
Molecular consequence: splice donor variant.
Genome position (GRCh38, 1-based): chr1:65,601,961-65,601,962, GT duplicated. VCF-style (leftmost placement, unchanged base first): chr1-65601960-G-GGT. GRCh37 (hg19) VCF-style: chr1-66067643-G-GGT.
Other names: c.1403+1_1403+2dup (NM_001003679.3, NM_001003680.3, NM_001198689.2 and 2 more transcripts).
Identifiers: ClinVar variation 4977035 (VCV004977035.1).